The following is an entry in ClinVar:

NM_001365999.1(SZT2):c.9947T>C (p.Ile3316Thr)

Genes: SZT2 (SZT2 subunit of KICSTOR complex; plus strand), SZT2-AS1 (SZT2 antisense RNA 1; minus strand). Cytogenetic location: 1p34.2.
Variant type: single nucleotide variant.
Coding change: c.9947T>C on transcript NM_001365999.1 (MANE Select); coding-DNA position 9947, T replaced by C.
Protein change: p.Ile3316Thr; replaces isoleucine 3316 with threonine.
Molecular consequence: missense variant. On other transcripts: non-coding transcript variant (1).
Genome position (GRCh38, 1-based): chr1:43,448,462, T>C. VCF-style: chr1-43448462-T-C. GRCh37 (hg19) VCF-style: chr1-43914133-T-C.
Other names: c.9776T>C, p.Ile3259Thr (NM_015284.4); short protein forms I3316T, I3259T.
Identifiers: ClinVar variation 665992 (VCV000665992.7), dbSNP rs375728143, ClinGen allele CA811038.

ClinVar aggregate classification (germline): Uncertain significance. Review status: criteria provided, multiple submitters, no conflicts (2 of 4 stars). 3 submissions from 3 submitters: Uncertain significance (3). Last evaluated 2023-04-11.

Conditions:
Inborn genetic diseases. Identifiers: MedGen C0950123, MeSH D030342.
Developmental and epileptic encephalopathy, 18 (DEE18). Also called: Early infantile epileptic encephalopathy 18. Identifiers: Orphanet 369894, MedGen C3809624, MONDO:0014201, OMIM 615476.

Allele frequency attached by ClinVar (database versions not stated): gnomAD 0.00001 and 0.00002; gnomAD exomes 0.00001 and 0.00003; TOPMed 0.00002; ExAC 0.00004; ESP Exome Variant Server 0.00008; 1000 Genomes Project 0.00020; 1000 Genomes Project 30x 0.00047.
gnomAD v4.1: 22 of 1,609,938 alleles (0.0014%); highest among the groups gnomAD compares: African/African-American, 0.0027%; no homozygotes.

Submissions (3):

Genome-Nilou Lab
Classification: Uncertain significance for Developmental and epileptic encephalopathy, 18. Last evaluated: 2023-04-11. Review status: criteria provided, single submitter. Criteria: ACMG Guidelines, 2015. Collection method: clinical testing. Allele origin: germline. Affected: no.

Ambry Genetics
Classification: Uncertain significance for Inborn genetic diseases. Last evaluated: 2022-03-29. Review status: criteria provided, single submitter. Criteria: Ambry Variant Classification Scheme 2023. Collection method: clinical testing. Allele origin: germline.

Labcorp Genetics (formerly Invitae), Labcorp
Classification: Uncertain significance. Last evaluated: 2021-08-30. Review status: criteria provided, single submitter. Criteria: Invitae Variant Classification Sherloc (09022015). Collection method: clinical testing. Allele origin: germline.
Comment: This sequence change replaces isoleucine with threonine at codon 3259 of the SZT2 protein (p.Ile3259Thr). The isoleucine residue is highly conserved and there is a moderate physicochemical difference between isoleucine and threonine. This variant is present in population databases (rs375728143, ExAC 0.02%). This variant has not been reported in the literature in individuals affected with SZT2-related conditions. Algorithms developed to predict the effect of missense changes on protein structure and function are either unavailable or do not agree on the potential impact of this missense change (SIFT: "Tolerated"; PolyPhen-2: "Probably Damaging"; Align-GVGD: "Class C0"). In summary, the available evidence is currently insufficient to determine the role of this variant in disease. Therefore, it has been classified as a Variant of Uncertain Significance.